The following is an entry in ClinVar:

NM_173500.4(TTBK2):c.603G>T (p.Arg201Ser)

Gene: TTBK2 (tau tubulin kinase 2; minus strand). Cytogenetic location: 15q15.2.
Variant type: single nucleotide variant.
Coding change: c.603G>T on transcript NM_173500.4 (MANE Select); coding-DNA position 603, G replaced by T.
Protein change: p.Arg201Ser; replaces arginine 201 with serine.
Molecular consequence: missense variant.
Genome position (GRCh38, 1-based): chr15:42,817,032, C>A on the plus strand (G>T on the coding strand, the complement: TTBK2 is on the minus strand). VCF-style: chr15-42817032-C-A. GRCh37 (hg19) VCF-style: chr15-43109230-C-A.
Other names: short protein forms R201S.
Identifiers: ClinVar variation 3371356 (VCV003371356.1).

ClinVar aggregate classification (germline): Uncertain significance (1 of 4 stars; one submission).

Submission:

GeneDx
Classification: Uncertain significance. Last evaluated: 2024-03-29. Review status: criteria provided, single submitter. Criteria: GeneDx Variant Classification Process June 2021. Collection method: clinical testing. Allele origin: germline. Affected: yes.
Comment: Not observed at significant frequency in large population cohorts (gnomAD); In silico analysis supports that this missense variant has a deleterious effect on protein structure/function; Has not been previously published as pathogenic or benign to our knowledge